The following is an entry in ClinVar:

NM_024854.5(PYROXD1):c.286-7T>G

Gene: PYROXD1 (pyridine nucleotide-disulphide oxidoreductase domain 1; plus strand). Cytogenetic location: 12p12.1.
Variant type: single nucleotide variant.
Coding change: c.286-7T>G on transcript NM_024854.5 (MANE Select); 7 bases into the intron before coding-DNA position 286, T replaced by G.
Molecular consequence: intron variant.
Genome position (GRCh38, 1-based): chr12:21,449,556, T>G. VCF-style: chr12-21449556-T-G. GRCh37 (hg19) VCF-style: chr12-21602490-T-G.
Other names: c.-418-7T>G (NM_001350913.2); c.73-7T>G (NM_001350912.2).
Identifiers: ClinVar variation 1450352 (VCV001450352.8), dbSNP rs1347834977, ClinGen allele CA2573147880.

ClinVar aggregate classification (germline): Uncertain significance (1 of 4 stars; one submission).

gnomAD v4.1: 1 of 1,609,516 alleles (0.000062%); highest among the groups gnomAD compares: African/African-American, 0.0013%; no homozygotes.

Submission:

Labcorp Genetics (formerly Invitae), Labcorp
Classification: Uncertain significance. Last evaluated: 2022-10-24. Review status: criteria provided, single submitter. Criteria: Invitae Variant Classification Sherloc (09022015). Collection method: clinical testing. Allele origin: germline.
Comment: Algorithms developed to predict the effect of sequence changes on RNA splicing suggest that this variant may disrupt the consensus splice site. ClinVar contains an entry for this variant (Variation ID: 1450352). This variant has not been reported in the literature in individuals affected with PYROXD1-related conditions. This variant is not present in population databases (gnomAD no frequency). This sequence change falls in intron 3 of the PYROXD1 gene. It does not directly change the encoded amino acid sequence of the PYROXD1 protein. In summary, the available evidence is currently insufficient to determine the role of this variant in disease. Therefore, it has been classified as a Variant of Uncertain Significance.